The following is an entry in ClinVar:

ClinVar aggregate classification (germline): Uncertain significance (1 of 4 stars; one submission).

Submission:

Ambry Genetics
Classification: Uncertain significance. Last evaluated: 2022-11-24. Review status: criteria provided, single submitter. Criteria: Ambry Variant Classification Scheme 2023. Collection method: clinical testing. Allele origin: germline.
Comment: The p.G2195A variant (also known as c.6584G>C), located in coding exon 22 of the POLQ gene, results from a G to C substitution at nucleotide position 6584. The glycine at codon 2195 is replaced by alanine, an amino acid with similar properties. This amino acid position is conserved. In addition, this alteration is predicted to be tolerated by in silico analysis. Since supporting evidence is limited at this time, the clinical significance of this alteration remains unclear.

NM_199420.4(POLQ):c.6584G>C (p.Gly2195Ala)

Gene: POLQ (DNA polymerase theta; minus strand). Cytogenetic location: 3q13.33.
Variant type: single nucleotide variant.
Coding change: c.6584G>C on transcript NM_199420.4 (MANE Select); coding-DNA position 6584, G replaced by C.
Protein change: p.Gly2195Ala; replaces glycine 2195 with alanine.
Molecular consequence: missense variant.
Genome position (GRCh38, 1-based): chr3:121,472,124, C>G on the plus strand (G>C on the coding strand, the complement: POLQ is on the minus strand). VCF-style: chr3-121472124-C-G. GRCh37 (hg19) VCF-style: chr3-121190971-C-G.
Other names: short protein forms G2195A.
Identifiers: ClinVar variation 2448918 (VCV002448918.2), dbSNP rs1187742104, ClinGen allele CA354085531.